The following is an entry in ClinVar:

ClinVar aggregate classification (germline): Uncertain significance (1 of 4 stars; one submission).

Conditions:
Intellectual developmental disorder with speech delay, autism, and dysmorphic facies. Identifiers: MedGen C5231456, MONDO:0032864, OMIM 618672.

gnomAD v4.1: 2 of 1,611,838 alleles (0.00012%); highest among the groups gnomAD compares: Non-Finnish European, 0.000085%; no homozygotes.

Submission:

Baylor Genetics
Classification: Uncertain significance for Intellectual developmental disorder with speech delay, autism, and dysmorphic facies. Last evaluated: 2020-01-16. Review status: criteria provided, single submitter. Criteria: ACMG Guidelines, 2015. Collection method: clinical testing. Allele origin: unknown. Affected: yes.
Comment: This variant was determined to be of uncertain significance according to ACMG Guidelines, 2015 [PMID:25741868].

NM_014516.4(CNOT3):c.1369C>A (p.Pro457Thr)

Gene: CNOT3 (CCR4-NOT transcription complex subunit 3; plus strand). Cytogenetic location: 19q13.42.
Variant type: single nucleotide variant.
Coding change: c.1369C>A on transcript NM_014516.4 (MANE Select); coding-DNA position 1369, C replaced by A.
Protein change: p.Pro457Thr; replaces proline 457 with threonine.
Molecular consequence: missense variant.
Genome position (GRCh38, 1-based): chr19:54,148,706, C>A. VCF-style: chr19-54148706-C-A. GRCh37 (hg19) VCF-style: chr19-54652441-C-A.
Other names: short protein forms P457T.
Identifiers: ClinVar variation 1029280 (VCV001029280.1), dbSNP rs1459108448, ClinGen allele CA407765907.